The following is an entry in ClinVar:

ClinVar aggregate classification (germline): Uncertain significance (1 of 4 stars; one submission).

Submission:

GeneDx
Classification: Uncertain significance. Last evaluated: 2024-10-24. Review status: criteria provided, single submitter. Criteria: GeneDx Variant Classification Process June 2021. Collection method: clinical testing. Allele origin: germline. Affected: yes.
Comment: Not observed at significant frequency in large population cohorts (gnomAD); In silico analysis supports that this missense variant has a deleterious effect on protein structure/function; Has not been previously published as pathogenic or benign to our knowledge; This variant is associated with the following publications: (PMID: 19006240, 18767143)

NM_001999.4(FBN2):c.4178G>A (p.Cys1393Tyr)

Gene: FBN2 (fibrillin 2; minus strand). Cytogenetic location: 5q23.3.
Variant type: single nucleotide variant.
Coding change: c.4178G>A on transcript NM_001999.4 (MANE Select); coding-DNA position 4178, G replaced by A.
Protein change: p.Cys1393Tyr; replaces cysteine 1393 with tyrosine.
Molecular consequence: missense variant.
Genome position (GRCh38, 1-based): chr5:128,332,956, C>T on the plus strand (G>A on the coding strand, the complement: FBN2 is on the minus strand). VCF-style: chr5-128332956-C-T. GRCh37 (hg19) VCF-style: chr5-127668648-C-T.
Other names: short protein forms C1393Y.
Identifiers: ClinVar variation 3893612 (VCV003893612.1).
Genomic context (GRCh38, chr5:128,332,956, plus strand): 5'-ACATTTGCAAACTCACCAATACACTTGATGCCGTTTCCAATCCAGCCTTCTCTGCAGCTA[C>T]ACTTGAAGCTTCCTGGGATATTCAGACATGAGGCATGCATGTCGCAGTTATGAGCACCAA-3'
Protein context (NP_001990.2, residues 1383-1403): SCLNIPGSFK[Cys1393Tyr]SCREGWIGNG